The following is an entry in ClinVar:

NM_000126.4(ETFA):c.882+54G>T

Gene: ETFA (electron transfer flavoprotein subunit alpha; minus strand). Cytogenetic location: 15q24.2.
Variant type: single nucleotide variant.
Coding change: c.882+54G>T on transcript NM_000126.4 (MANE Select); 54 bases into the intron after coding-DNA position 882, G replaced by T.
Molecular consequence: intron variant.
Genome position (GRCh38, 1-based): chr15:76,231,279, C>A on the plus strand (G>T on the coding strand, the complement: ETFA is on the minus strand). VCF-style: chr15-76231279-C-A. GRCh37 (hg19) VCF-style: chr15-76523620-C-A.
Other names: c.735+54G>T (NM_001127716.2).
Identifiers: ClinVar variation 673762 (VCV000673762.2), dbSNP rs76403342, ClinGen allele CA273684913.
Genomic context (GRCh38, chr15:76,231,279, plus strand): 5'-ACGTTAGTGTGAATGGCTTGACTACATGCATTGTAACTACATGGAAACATACAAGGTAAG[C>A]CAAATCCTAAAATGTGGAAACGTTTTCTTTTAACATCACTGATGTACAATTACCTTGCTG-3'

ClinVar aggregate classification (germline): Benign. Review status: criteria provided, multiple submitters, no conflicts (2 of 4 stars). 2 submissions from 2 submitters: Benign (2). Last evaluated 2018-06-16.

Allele frequency attached by ClinVar (database versions not stated): gnomAD exomes 0.00563; gnomAD 0.03981 and 0.04273; 1000 Genomes Project 0.04413; ESP Exome Variant Server 0.04425; TOPMed 0.04441; 1000 Genomes Project 30x 0.04763.
gnomAD v4.1: 11,885 of 1,137,312 alleles (1%); highest among the groups gnomAD compares: African/African-American, 13%; 619 homozygotes.

Submissions (2):

GeneDx
Classification: Benign. Last evaluated: 2018-06-16. Review status: criteria provided, single submitter. Criteria: GeneDx Variant Classification (06012015). Collection method: clinical testing. Allele origin: germline. Affected: yes.
Comment: This variant is considered likely benign or benign based on one or more of the following criteria: it is a conservative change, it occurs at a poorly conserved position in the protein, it is predicted to be benign by multiple in silico algorithms, and/or has population frequency not consistent with disease.

Breakthrough Genomics
Classification: Benign. Review status: criteria provided, single submitter. Criteria: ACMG Guidelines, 2015. Collection method: not provided. Allele origin: germline. Inheritance: Autosomal recessive inheritance. Affected: yes.